The following is an entry in ClinVar:

NM_000090.4(COL3A1):c.2067_2072del (p.Gly690_Ala691del)

Gene: COL3A1 (collagen type III alpha 1 chain; plus strand). Cytogenetic location: 2q32.2.
Variant type: Deletion.
Coding change: c.2067_2072del on transcript NM_000090.4 (MANE Select); coding-DNA positions 2067 to 2072, 6 bases deleted (AGGGGC; older notation c.2067_2072delAGGGGC).
Protein change: p.Gly690_Ala691del.
Molecular consequence: inframe deletion.
Genome position (GRCh38, 1-based): chr2:188,999,329-188,999,334, AGGGGC deleted; deleting any 6 consecutive bases within chr2:188,999,326-188,999,334 gives the same sequence; the c. name uses the placement nearest the transcript's 3' end. VCF-style (leftmost placement, unchanged base first): chr2-188999325-TGGCAGG-T. GRCh37 (hg19) VCF-style: chr2-189864051-TGGCAGG-T.
Other names: c.2067_2072delAGGGGC (NM_000090.3).
Identifiers: ClinVar variation 664891 (VCV000664891.9), dbSNP rs1576468160, ClinGen allele CA915942287.

ClinVar aggregate classification (germline): Likely pathogenic (1 of 4 stars; one submission).

Conditions:
Ehlers-Danlos syndrome, type 4 (EDSVASC). Also called: Ehlers-Danlos syndrome vascular type; Ehlers Danlos syndrome, ecchymotic type; Ehlers Danlos syndrome, arterial type; Ehlers Danlos syndrome, Sack-Barabas type; Ehlers-Danlos Syndrome Type IV. Identifiers: Orphanet 286, MedGen C0268338, MONDO:0017314, OMIM 130050.

Submission:

Labcorp Genetics (formerly Invitae), Labcorp
Classification: Likely pathogenic for Ehlers-Danlos syndrome, type 4. Last evaluated: 2018-08-25. Review status: criteria provided, single submitter. Criteria: Invitae Variant Classification Sherloc (09022015). Collection method: clinical testing. Allele origin: germline.
Comment: This variant, c.2067_2072delAGGGGC, results in the deletion of 2 amino acids of the COL3A1 protein (p.Gly690_Ala691del), but otherwise preserves the integrity of the reading frame. This variant is not present in population databases (ExAC no frequency). This variant has not been reported in the literature in individuals with COL3A1-related disease. Glycine residues within the Gly-Xaa-Yaa repeats of the triple helix domain are required for the structure and stability of fibrillar collagens (PMID: 7695699, 8218237, 19344236). In COL3A1, variants at these glycine residues are significantly enriched in individuals with disease (PMID: 24922459, 25758994) compared to the general population (ExAC). In summary, this variant is a novel deletion affecting residue that is known to be critical for normal protein structure, stability and function. This type of change is also highly enriched in affected individuals and expected to be pathogenic. However, without additional functional and/or genetic data, this variant has been classified as Likely Pathogenic.

Literature cited by the submitters: PubMed 7695699; PubMed 8218237; PubMed 19344236; PubMed 24922459; PubMed 25758994.